The following is an entry in ClinVar:

NM_006206.6(PDGFRA):c.1615A>G (p.Ile539Val)

Gene: PDGFRA (platelet derived growth factor receptor alpha; plus strand). Cytogenetic location: 4q12.
Variant type: single nucleotide variant.
Coding change: c.1615A>G on transcript NM_006206.6 (MANE Select); coding-DNA position 1615, A replaced by G.
Protein change: p.Ile539Val; replaces isoleucine 539 with valine.
Molecular consequence: missense variant.
Genome position (GRCh38, 1-based): chr4:54,274,587, A>G. VCF-style: chr4-54274587-A-G. GRCh37 (hg19) VCF-style: chr4-55140754-A-G.
Other names: c.1615A>G, p.Ile539Val (NM_001347827.2, NM_001347829.2); c.1690A>G, p.Ile564Val (NM_001347828.2); c.1654A>G, p.Ile552Val (NM_001347830.2); short protein forms I539V, I552V, I564V.
Identifiers: ClinVar variation 528501 (VCV000528501.15), dbSNP rs866516451, ClinGen allele CA96859512.

ClinVar aggregate classification (germline): Uncertain significance. Review status: criteria provided, multiple submitters, no conflicts (2 of 4 stars). 2 submissions from 2 submitters: Uncertain significance (2). Last evaluated 2025-12-31.

Conditions:
Hereditary cancer-predisposing syndrome. Also called: Tumor predisposition; Hereditary neoplastic syndrome; Hereditary Cancer Syndrome; Neoplastic Syndromes, Hereditary. Identifiers: Orphanet 140162, MedGen C0027672, MeSH D009386, MONDO:0015356.
Gastrointestinal stromal tumor. Also called: Gastrointestinal stroma tumor; Gastrointestinal stromal tumor, somatic. Identifiers: Orphanet 44890, MedGen C0238198, MeSH D046152, MONDO:0011719, OMIM 606764, HP:0100723.

Allele frequency attached by ClinVar (database versions not stated): gnomAD exomes 0.00001; TOPMed 0.00002; gnomAD 0.00004.
gnomAD v4.1: 15 of 1,613,762 alleles (0.00093%); highest among the groups gnomAD compares: African/African-American, 0.019%; no homozygotes.

Submissions (2):

Labcorp Genetics (formerly Invitae), Labcorp
Classification: Uncertain significance for Gastrointestinal stromal tumor. Last evaluated: 2025-12-31. Review status: criteria provided, single submitter. Criteria: Invitae Variant Classification Sherloc (09022015). Collection method: clinical testing. Allele origin: germline.
Comment: This sequence change replaces isoleucine, which is neutral and non-polar, with valine, which is neutral and non-polar, at codon 539 of the PDGFRA protein (p.Ile539Val). This variant is present in population databases (no rsID available, gnomAD 0.02%). This variant has not been reported in the literature in individuals affected with PDGFRA-related conditions. ClinVar contains an entry for this variant (Variation ID: 528501). Invitae Evidence Modeling of protein sequence and biophysical properties (such as structural, functional, and spatial information, amino acid conservation, physicochemical variation, residue mobility, and thermodynamic stability) indicates that this missense variant is not expected to disrupt PDGFRA protein function with a negative predictive value of 80%. In summary, the available evidence is currently insufficient to determine the role of this variant in disease. Therefore, it has been classified as a Variant of Uncertain Significance.

Ambry Genetics
Classification: Uncertain significance for Hereditary cancer-predisposing syndrome. Last evaluated: 2025-03-05. Review status: criteria provided, single submitter. Criteria: Ambry Variant Classification Scheme 2023. Collection method: clinical testing. Allele origin: germline.
Comment: The p.I539V variant (also known as c.1615A>G), located in coding exon 10 of the PDGFRA gene, results from an A to G substitution at nucleotide position 1615. The isoleucine at codon 539 is replaced by valine, an amino acid with highly similar properties. This amino acid position is highly conserved in available vertebrate species. In addition, the in silico prediction for this alteration is inconclusive. Since supporting evidence is limited at this time, the clinical significance of this alteration remains unclear.